The following is an entry in ClinVar:

NM_001035.3(RYR2):c.2611C>G (p.Gln871Glu)

Gene: RYR2 (ryanodine receptor 2; plus strand). Cytogenetic location: 1q43.
Variant type: single nucleotide variant.
Coding change: c.2611C>G on transcript NM_001035.3 (MANE Select); coding-DNA position 2611, C replaced by G.
Protein change: p.Gln871Glu; replaces glutamine 871 with glutamic acid.
Molecular consequence: missense variant.
Genome position (GRCh38, 1-based): chr1:237,503,503, C>G. VCF-style: chr1-237503503-C-G. GRCh37 (hg19) VCF-style: chr1-237666803-C-G.
Other names: short protein forms Q871E.
Identifiers: ClinVar variation 1436752 (VCV001436752.7), dbSNP rs2150494702, ClinGen allele CA345379692.

ClinVar aggregate classification (germline): Uncertain significance (1 of 4 stars; one submission).

Conditions:
Catecholaminergic polymorphic ventricular tachycardia 1. Also called: VENTRICULAR TACHYCARDIA, CATECHOLAMINERGIC POLYMORPHIC, 1, WITH OR WITHOUT ATRIAL DYSFUNCTION AND/OR DILATED CARDIOMYOPATHY; RYR2-Related Catecholaminergic Polymorphic Ventricular Tachycardia; VENTRICULAR TACHYCARDIA, STRESS-INDUCED POLYMORPHIC 1. Identifiers: Orphanet 3286, MedGen C1631597, MONDO:0011484, OMIM 604772.

Submission:

Labcorp Genetics (formerly Invitae), Labcorp
Classification: Uncertain significance for Catecholaminergic polymorphic ventricular tachycardia 1. Last evaluated: 2021-11-05. Review status: criteria provided, single submitter. Criteria: Invitae Variant Classification Sherloc (09022015). Collection method: clinical testing. Allele origin: germline.
Comment: This variant is not present in population databases (gnomAD no frequency). This sequence change replaces glutamine, which is neutral and polar, with glutamic acid, which is acidic and polar, at codon 871 of the RYR2 protein (p.Gln871Glu). This variant has not been reported in the literature in individuals affected with RYR2-related conditions. Algorithms developed to predict the effect of missense changes on protein structure and function are either unavailable or do not agree on the potential impact of this missense change (SIFT: "Deleterious"; PolyPhen-2: "Benign"; Align-GVGD: "Class C25"). In summary, the available evidence is currently insufficient to determine the role of this variant in disease. Therefore, it has been classified as a Variant of Uncertain Significance.